The following is an entry in ClinVar:

NM_000038.6(APC):c.6981C>G (p.Asn2327Lys)

Gene: APC (APC regulator of Wnt signaling pathway; plus strand). Cytogenetic location: 5q22.2.
Variant type: single nucleotide variant.
Coding change: c.6981C>G on transcript NM_000038.6 (MANE Select); coding-DNA position 6981, C replaced by G.
Protein change: p.Asn2327Lys; replaces asparagine 2327 with lysine.
Molecular consequence: missense variant.
Genome position (GRCh38, 1-based): chr5:112,842,575, C>G. VCF-style: chr5-112842575-C-G. GRCh37 (hg19) VCF-style: chr5-112178272-C-G.
Other names: c.6981C>G, p.Asn2327Lys (NM_001127510.3, NM_001354895.2); c.6927C>G, p.Asn2309Lys (NM_001127511.3); c.7035C>G, p.Asn2345Lys (NM_001354896.2); c.7011C>G, p.Asn2337Lys (NM_001354897.2); c.6906C>G, p.Asn2302Lys (NM_001354898.2); c.6897C>G, p.Asn2299Lys (NM_001354899.2); c.6858C>G, p.Asn2286Lys (NM_001354900.2); c.6804C>G, p.Asn2268Lys (NM_001354901.2); and 5 more; short protein forms N2201K, N2226K, N2299K, N2337K, N2044K, N2167K, N2236K, N2302K.
Identifiers: ClinVar variation 826747 (VCV000826747.12), dbSNP rs950286984, ClinGen allele CA16036551.

ClinVar aggregate classification (germline): Uncertain significance. Review status: criteria provided, multiple submitters, no conflicts (2 of 4 stars). 2 submissions from 2 submitters: Uncertain significance (2). Last evaluated 2024-08-12.

Conditions:
Hereditary cancer-predisposing syndrome. Also called: Neoplastic Syndromes, Hereditary; Tumor predisposition; Hereditary neoplastic syndrome; Hereditary Cancer Syndrome. Identifiers: Orphanet 140162, MedGen C0027672, MeSH D009386, MONDO:0015356.
Familial adenomatous polyposis 1 (FAP1). Also called: POLYPOSIS, ADENOMATOUS INTESTINAL; FAMILIAL ADENOMATOUS POLYPOSIS 1, ATTENUATED. Identifiers: MedGen C2713442, MONDO:0021056, OMIM 175100. Disease mechanism: loss of function.

Submissions (2):

Labcorp Genetics (formerly Invitae), Labcorp
Classification: Uncertain significance for Familial adenomatous polyposis 1. Last evaluated: 2024-08-12. Review status: criteria provided, single submitter. Criteria: Invitae Variant Classification Sherloc (09022015). Collection method: clinical testing. Allele origin: germline.
Comment: This sequence change replaces asparagine, which is neutral and polar, with lysine, which is basic and polar, at codon 2327 of the APC protein (p.Asn2327Lys). This variant is not present in population databases (gnomAD no frequency). This variant has not been reported in the literature in individuals affected with APC-related conditions. ClinVar contains an entry for this variant (Variation ID: 826747). Advanced modeling of protein sequence and biophysical properties (such as structural, functional, and spatial information, amino acid conservation, physicochemical variation, residue mobility, and thermodynamic stability) performed at Invitae indicates that this missense variant is not expected to disrupt APC protein function with a negative predictive value of 95%. In summary, the available evidence is currently insufficient to determine the role of this variant in disease. Therefore, it has been classified as a Variant of Uncertain Significance.

Ambry Genetics
Classification: Uncertain significance for Hereditary cancer-predisposing syndrome. Last evaluated: 2024-01-03. Review status: criteria provided, single submitter. Criteria: Ambry Variant Classification Scheme 2023. Collection method: clinical testing. Allele origin: germline.
Comment: The p.N2327K variant (also known as c.6981C>G), located in coding exon 15 of the APC gene, results from a C to G substitution at nucleotide position 6981. The asparagine at codon 2327 is replaced by lysine, an amino acid with similar properties. This amino acid position is highly conserved in available vertebrate species. In addition, in silico predictors for this gene do not accurately predict pathogenicity. Since supporting evidence is limited at this time, the clinical significance of this alteration remains unclear.